The following is an entry in ClinVar:

ClinVar aggregate classification (germline): Uncertain significance. Review status: criteria provided, multiple submitters, no conflicts (2 of 4 stars). 2 submissions from 2 submitters: Uncertain significance (2). Last evaluated 2025-06-17.

Conditions:
Inborn genetic diseases. Identifiers: MedGen C0950123, MeSH D030342.

Allele frequency attached by ClinVar (database versions not stated): TOPMed below 0.00001; ExAC 0.00001; gnomAD exomes 0.00001.
gnomAD v4.1: 9 of 1,610,456 alleles (0.00056%); highest among the groups gnomAD compares: African/African-American, 0.0013%; no homozygotes.

Submissions (2):

Ambry Genetics
Classification: Uncertain significance for Inborn genetic diseases. Last evaluated: 2025-06-17. Review status: criteria provided, single submitter. Criteria: Ambry Variant Classification Scheme 2023. Collection method: clinical testing. Allele origin: germline.

Labcorp Genetics (formerly Invitae), Labcorp
Classification: Uncertain significance. Last evaluated: 2022-01-14. Review status: criteria provided, single submitter. Criteria: Invitae Variant Classification Sherloc (09022015). Collection method: clinical testing. Allele origin: germline.
Comment: ClinVar contains an entry for this variant (Variation ID: 859801). In summary, the available evidence is currently insufficient to determine the role of this variant in disease. Therefore, it has been classified as a Variant of Uncertain Significance. Algorithms developed to predict the effect of missense changes on protein structure and function are either unavailable or do not agree on the potential impact of this missense change (SIFT: "Deleterious"; PolyPhen-2: "Possibly Damaging"; Align-GVGD: "Class C15"). This variant has not been reported in the literature in individuals affected with ABHD12-related conditions. This variant is present in population databases (rs760259853, gnomAD 0.01%). This sequence change replaces valine, which is neutral and non-polar, with methionine, which is neutral and non-polar, at codon 251 of the ABHD12 protein (p.Val251Met).

NM_001042472.3(ABHD12):c.751G>A (p.Val251Met)

Gene: ABHD12 (abhydrolase domain containing 12, lysophospholipase; minus strand). Cytogenetic location: 20p11.21.
Variant type: single nucleotide variant.
Coding change: c.751G>A on transcript NM_001042472.3 (MANE Select); coding-DNA position 751, G replaced by A.
Protein change: p.Val251Met; replaces valine 251 with methionine.
Molecular consequence: missense variant.
Genome position (GRCh38, 1-based): chr20:25,308,493, C>T on the plus strand (G>A on the coding strand, the complement: ABHD12 is on the minus strand). VCF-style: chr20-25308493-C-T. GRCh37 (hg19) VCF-style: chr20-25289129-C-T.
Other names: c.751G>A, p.Val251Met (NM_015600.5); short protein forms V251M.
Identifiers: ClinVar variation 859801 (VCV000859801.10), dbSNP rs760259853, ClinGen allele CA9796011.